The following is an entry in ClinVar:

NM_001034116.2(EIF2B4):c.868del (p.Ser290fs)

Genes: EIF2B4 (eukaryotic translation initiation factor 2B subunit delta; minus strand), GTF3C2-AS2 (GTF3C2 antisense RNA 2; plus strand). Cytogenetic location: 2p23.3.
Variant type: Deletion.
Coding change: c.868del on transcript NM_001034116.2 (MANE Select); coding-DNA position 868, one base deleted (T; older notation c.868delT).
Protein change: p.Ser290fs; shifts the reading frame from serine 290.
Molecular consequence: frameshift variant. On other transcripts: non-coding transcript variant (8).
Genome position (GRCh38, 1-based): chr2:27,367,474, A deleted on the plus strand (T on the coding strand, the reverse complement: EIF2B4 is on the minus strand); the first of 2 consecutive A bases (chr2:27,367,474-27,367,475); deleting either gives the same sequence. VCF-style (leftmost placement, unchanged base first): chr2-27367473-GA-G. GRCh37 (hg19) VCF-style: chr2-27590340-GA-G.
Other names: c.931del, p.Ser311fs (NM_001318965.2); c.823del, p.Ser275fs (NM_001318966.2); c.775del, p.Ser259fs (NM_001318967.2); c.283del, p.Ser95fs (NM_001318968.2); c.250del, p.Ser84fs (NM_001318969.2); c.865del, p.Ser289fs (NM_015636.4); c.928del, p.Ser310fs (NM_172195.4); short protein forms S275fs, S289fs, S310fs, S84fs, S259fs, S290fs, S311fs, S95fs.
Identifiers: ClinVar variation 2984742 (VCV002984742.3), dbSNP rs767850637, ClinGen allele CA1576752.

ClinVar aggregate classification (germline): Pathogenic (1 of 4 stars; one submission).

Submission:

Labcorp Genetics (formerly Invitae), Labcorp
Classification: Pathogenic. Last evaluated: 2024-04-09. Review status: criteria provided, single submitter. Criteria: Invitae Variant Classification Sherloc (09022015). Collection method: clinical testing. Allele origin: germline.
Comment: This sequence change creates a premature translational stop signal (p.Ser289Profs*25) in the EIF2B4 gene. It is expected to result in an absent or disrupted protein product. Loss-of-function variants in EIF2B4 are known to be pathogenic (PMID: 11835386, 15776425, 16807905). This variant is present in population databases (rs767850637, gnomAD 0.007%). This variant has not been reported in the literature in individuals affected with EIF2B4-related conditions. Algorithms developed to predict the effect of sequence changes on RNA splicing suggest that this variant may disrupt the consensus splice site. For these reasons, this variant has been classified as Pathogenic.

Literature cited by the submitters: PubMed 11835386; PubMed 15776425; PubMed 16807905.